The following is an entry in ClinVar:

NM_000321.3(RB1):c.1598A>G (p.Glu533Gly)

Gene: RB1 (RB transcriptional corepressor 1; plus strand). Cytogenetic location: 13q14.2.
Variant type: single nucleotide variant.
Coding change: c.1598A>G on transcript NM_000321.3 (MANE Select); coding-DNA position 1598, A replaced by G.
Protein change: p.Glu533Gly; replaces glutamic acid 533 with glycine.
Molecular consequence: missense variant.
Genome position (GRCh38, 1-based): chr13:48,381,346, A>G. VCF-style: chr13-48381346-A-G. GRCh37 (hg19) VCF-style: chr13-48955482-A-G.
Other names: c.1598A>G, p.Glu533Gly (NM_001407165.1, NM_001407166.1); short protein forms E533G.
Identifiers: ClinVar variation 3313064 (VCV003313064.3).

ClinVar aggregate classification (germline): Uncertain significance. Review status: criteria provided, multiple submitters, no conflicts (2 of 4 stars). 2 submissions from 2 submitters: Uncertain significance (2). Last evaluated 2026-04-17.

Conditions:
Hereditary cancer-predisposing syndrome. Also called: Neoplastic Syndromes, Hereditary; Tumor predisposition; Hereditary Cancer Syndrome; Hereditary neoplastic syndrome. Identifiers: Orphanet 140162, MedGen C0027672, MeSH D009386, MONDO:0015356.
Retinoblastoma (RB1). Also called: RETINOBLASTOMA, SOMATIC. Identifiers: Orphanet 790, MedGen C0035335, MeSH D012175, MONDO:0008380, OMIM 180200, HP:0009919. Disease mechanism: loss of function. Inheritance: Both sporadic and heritable forms are tested..

Submissions (2):

Ambry Genetics
Classification: Uncertain significance for Hereditary cancer-predisposing syndrome. Last evaluated: 2026-04-17. Review status: criteria provided, single submitter. Criteria: Ambry Variant Classification Scheme 2023. Collection method: clinical testing. Allele origin: germline.
Comment: The p.E533G variant (also known as c.1598A>G), located in coding exon 17 of the RB1 gene, results from an A to G substitution at nucleotide position 1598. The glutamic acid at codon 533 is replaced by glycine, an amino acid with similar properties. This amino acid position is highly conserved in available vertebrate species. In addition, this alteration is predicted to be deleterious by in silico analysis. Based on the available evidence, the clinical significance of this variant remains unclear.

Labcorp Genetics (formerly Invitae), Labcorp
Classification: Uncertain significance for Retinoblastoma. Last evaluated: 2025-11-04. Review status: criteria provided, single submitter. Criteria: Invitae Variant Classification Sherloc (09022015). Collection method: clinical testing. Allele origin: germline.
Comment: This sequence change replaces glutamic acid, which is acidic and polar, with glycine, which is neutral and non-polar, at codon 533 of the RB1 protein (p.Glu533Gly). This variant is not present in population databases (gnomAD no frequency). This variant has not been reported in the literature in individuals affected with RB1-related conditions. ClinVar contains an entry for this variant (Variation ID: 3313064). Invitae Evidence Modeling of protein sequence and biophysical properties (such as structural, functional, and spatial information, amino acid conservation, physicochemical variation, residue mobility, and thermodynamic stability) has been performed for this missense variant. However, the output from this modeling did not meet the statistical confidence thresholds required to predict the impact of this variant on RB1 protein function. In summary, the available evidence is currently insufficient to determine the role of this variant in disease. Therefore, it has been classified as a Variant of Uncertain Significance.